The following is an entry in ClinVar:

ClinVar aggregate classification (germline): Uncertain significance. Review status: criteria provided, multiple submitters, no conflicts (2 of 4 stars). 2 submissions from 2 submitters: Uncertain significance (2). Last evaluated 2024-06-21.

Conditions:
Mosaic variegated aneuploidy syndrome 1 (MVA1). Also called: Warburton-Anyane-Yeboa syndrome. Identifiers: Orphanet 1052, MedGen C1850343, MONDO:0009759, OMIM 257300.
Colorectal cancer. Also called: Colorectal cancer, somatic; Malignant Colorectal Neoplasm. Identifiers: MedGen C0346629, MONDO:0005575, OMIM 114500.
Premature chromatid separation trait (PCS). Also called: TOTAL PREMATURE CHROMATID SEPARATION TRAIT. Identifiers: MedGen C1864389, MONDO:0008304, OMIM 176430.

Allele frequency attached by ClinVar (database versions not stated): ExAC 0.00001; TOPMed 0.00001.
gnomAD v4.1: 1 of 1,614,162 alleles (0.000062%); highest among the groups gnomAD compares: Non-Finnish European, 0.000085%; no homozygotes.

Submissions (2):

Fulgent Genetics
Classification: Uncertain significance for Colorectal cancer; Premature chromatid separation trait; Mosaic variegated aneuploidy syndrome 1. Last evaluated: 2024-06-21. Review status: criteria provided, single submitter. Criteria: ACMG Guidelines, 2015. Collection method: clinical testing. Allele origin: germline.

Labcorp Genetics (formerly Invitae), Labcorp
Classification: Uncertain significance for Mosaic variegated aneuploidy syndrome 1. Last evaluated: 2023-07-06. Review status: criteria provided, single submitter. Criteria: Invitae Variant Classification Sherloc (09022015). Collection method: clinical testing. Allele origin: germline.
Comment: This variant is present in population databases (rs759550625, gnomAD 0.0009%). This sequence change replaces serine, which is neutral and polar, with asparagine, which is neutral and polar, at codon 25 of the BUB1B protein (p.Ser25Asn). This variant has not been reported in the literature in individuals affected with BUB1B-related conditions. In summary, the available evidence is currently insufficient to determine the role of this variant in disease. Therefore, it has been classified as a Variant of Uncertain Significance. An algorithm developed to predict the effect of missense changes on protein structure and function (PolyPhen-2) suggests that this variant is likely to be disruptive.

NM_001211.6(BUB1B):c.74G>A (p.Ser25Asn)

Gene: BUB1B (BUB1 mitotic checkpoint serine/threonine kinase B; plus strand). Cytogenetic location: 15q15.1.
Variant type: single nucleotide variant.
Coding change: c.74G>A on transcript NM_001211.6 (MANE Select); coding-DNA position 74, G replaced by A.
Protein change: p.Ser25Asn; replaces serine 25 with asparagine.
Molecular consequence: missense variant.
Genome position (GRCh38, 1-based): chr15:40,165,091, G>A. VCF-style: chr15-40165091-G-A. GRCh37 (hg19) VCF-style: chr15-40457292-G-A.
Other names: short protein forms S25N.
Identifiers: ClinVar variation 2780263 (VCV002780263.4), dbSNP rs759550625, ClinGen allele CA7475348.